The following is an entry in ClinVar:

NM_014244.5(ADAMTS2):c.84GCC[5] (p.Pro34del)

Gene: ADAMTS2 (ADAM metallopeptidase with thrombospondin type 1 motif 2; minus strand). Cytogenetic location: 5q35.3.
Variant type: Microsatellite.
Coding change: c.84GCC[5] on transcript NM_014244.5 (MANE Select); five copies in a row of the 3-base unit GCC starting at c.84; the reference has six copies in a row; one copy, 3 bases deleted.
Protein change: p.Pro34del; deletes proline 34.
Molecular consequence: inframe deletion.
Genome position (GRCh38, 1-based): chr5:179,345,228-179,345,230, GGC deleted on the plus strand (GCC on the coding strand, the reverse complement: ADAMTS2 is on the minus strand); deleting any 3 consecutive bases within chr5:179,345,228-179,345,245 gives the same sequence; the position shown is the placement nearest the transcript's 3' end. VCF-style (leftmost placement, unchanged base first): chr5-179345227-GGGC-G. GRCh37 (hg19) VCF-style: chr5-178772228-GGGC-G.
Other names: c.84GCC[5], p.Pro34del (NM_021599.4); short protein forms P34del.
Identifiers: ClinVar variation 469681 (VCV000469681.5), dbSNP rs770212030, ClinGen allele CA3596389.

ClinVar aggregate classification (germline): Conflicting classifications of pathogenicity. Review status: criteria provided, conflicting classifications (1 of 4 stars). 2 submissions from 2 submitters: Uncertain significance (1); Likely benign (1). Last evaluated 2024-11-23.

Conditions:
Ehlers-Danlos syndrome, dermatosparaxis type. Also called: EDS VIIC; Dermatosparaxis; Ehlers-Danlos syndrome, type VII, autosomal recessive. Identifiers: Orphanet 1901, MedGen C2700425, MONDO:0009161, OMIM 225410.

Submissions (2):

Blueprint Genetics
Classification: Likely benign. Last evaluated: 2024-11-23. Review status: criteria provided, single submitter. Criteria: ACMG Guidelines, 2015. Collection method: clinical testing. Allele origin: germline.

Labcorp Genetics (formerly Invitae), Labcorp
Classification: Uncertain significance for Ehlers-Danlos syndrome, dermatosparaxis type. Last evaluated: 2022-02-25. Review status: criteria provided, single submitter. Criteria: Invitae Variant Classification Sherloc (09022015). Collection method: clinical testing. Allele origin: germline.
Comment: This variant, c.99_101del, results in the deletion of 1 amino acid(s) of the ADAMTS2 protein (p.Pro34del), but otherwise preserves the integrity of the reading frame. The frequency data for this variant in the population databases is considered unreliable, as metrics indicate poor data quality at this position in the gnomAD database. This variant has not been reported in the literature in individuals affected with ADAMTS2-related conditions. ClinVar contains an entry for this variant (Variation ID: 469681). Experimental studies and prediction algorithms are not available or were not evaluated, and the functional significance of this variant is currently unknown. In summary, the available evidence is currently insufficient to determine the role of this variant in disease. Therefore, it has been classified as a Variant of Uncertain Significance.